The following is an entry in ClinVar:

ClinVar aggregate classification (germline): Uncertain significance. Review status: criteria provided, multiple submitters, no conflicts (2 of 4 stars). 2 submissions from 2 submitters: Uncertain significance (2). Last evaluated 2024-10-29.

Conditions:
Primary dilated cardiomyopathy (DCM). Also called: Dilated Cardiomyopathy. Identifiers: Orphanet 217604, MedGen C0007193, MeSH D002311, MONDO:0005021, HP:0001644. Inheritance: Various modes of inheritance.

Allele frequency attached by ClinVar (database versions not stated): gnomAD exomes below 0.00001.

Submissions (2):

Labcorp Genetics (formerly Invitae), Labcorp
Classification: Uncertain significance for Primary dilated cardiomyopathy. Last evaluated: 2024-10-29. Review status: criteria provided, single submitter. Criteria: Invitae Variant Classification Sherloc (09022015). Collection method: clinical testing. Allele origin: germline.
Comment: This sequence change creates a premature translational stop signal (p.Thr518Argfs*2) in the TXNRD2 gene. While this is not anticipated to result in nonsense mediated decay, it is expected to disrupt the last 7amino acid(s) of the TXNRD2 protein. This variant is not present in population databases (gnomAD no frequency). This variant has not been reported in the literature in individuals affected with TXNRD2-related conditions. ClinVar contains an entry for this variant (Variation ID: 2504940). In summary, the available evidence is currently insufficient to determine the role of this variant in disease. Therefore, it has been classified as a Variant of Uncertain Significance.

GeneDx
Classification: Uncertain significance. Last evaluated: 2022-12-07. Review status: criteria provided, single submitter. Criteria: GeneDx Variant Classification Process June 2021. Collection method: clinical testing. Allele origin: germline. Affected: yes.
Comment: Frameshift variant predicted to result in protein truncation as the last 7 amino acids are replaced with 1 different amino acids, although loss-of-function variants have not been reported downstream of this position in the protein; Not observed at significant frequency in large population cohorts (gnomAD); Has not been previously published as pathogenic or benign to our knowledge

NM_006440.5(TXNRD2):c.1553del (p.Thr518fs)

Gene: TXNRD2 (thioredoxin reductase 2; minus strand). Cytogenetic location: 22q11.21.
Variant type: Deletion.
Coding change: c.1553del on transcript NM_006440.5 (MANE Select); coding-DNA position 1553, one base deleted (C; older notation c.1553delC).
Protein change: p.Thr518fs; shifts the reading frame from threonine 518.
Molecular consequence: frameshift variant. On other transcripts: non-coding transcript variant (1).
Genome position (GRCh38, 1-based): chr22:19,877,127, G deleted on the plus strand (C on the coding strand, the reverse complement: TXNRD2 is on the minus strand). VCF-style (leftmost placement, unchanged base first): chr22-19877126-CG-C. GRCh37 (hg19) VCF-style: chr22-19864649-CG-C.
Other names: c.1550del, p.Thr517fs (NM_001352300.2); c.1463del, p.Thr488fs (NM_001352301.2); c.1265del, p.Thr422fs (NM_001352302.2); c.1553delC, p.Thr518Argfs (NM_006440.3); short protein forms T422fs, T488fs, T517fs, T518fs.
Identifiers: ClinVar variation 2504940 (VCV002504940.3), dbSNP rs2517266508, ClinGen allele CA2577647944.